The following is an entry in ClinVar:

ClinVar aggregate classification (germline): Conflicting classifications of pathogenicity. Review status: criteria provided, conflicting classifications (1 of 4 stars). 2 submissions from 2 submitters: Uncertain significance (1); Likely benign (1). Last evaluated 2023-03-23.

Conditions:
Hereditary cancer-predisposing syndrome. Also called: Hereditary Cancer Syndrome; Hereditary neoplastic syndrome; Neoplastic Syndromes, Hereditary; Tumor predisposition. Identifiers: Orphanet 140162, MedGen C0027672, MeSH D009386, MONDO:0015356.
Hereditary breast ovarian cancer syndrome. Also called: Hereditary breast and ovarian cancer syndrome (HBOC); Breast and ovarian cancer; Hereditary breast and/or ovarian cancer syndrome; BRCA1- and BRCA2-Associated Hereditary Breast and Ovarian Cancer; Hereditary breast and ovarian cancer syndrome; Hereditary breast and ovarian cancer. Identifiers: Orphanet 145, MedGen C0677776, MeSH D061325, MONDO:0003582. Disease mechanism: loss of function.

Submissions (2):

University of Washington Department of Laboratory Medicine, University of Washington
Classification: Likely benign for Hereditary cancer-predisposing syndrome. Last evaluated: 2023-03-23. Review status: criteria provided, single submitter. Criteria: Dines et al. (Genet Med. 2020). Collection method: curation. Allele origin: germline.
Comment: Missense variant in a coldspot region where missense variants are very unlikely to be pathogenic (PMID:31911673).

BRCA2 exon 10 coldspot. Reclassification based on statistical prior probability.

Labcorp Genetics (formerly Invitae), Labcorp
Classification: Uncertain significance for Hereditary breast ovarian cancer syndrome. Last evaluated: 2020-05-29. Review status: criteria provided, single submitter. Criteria: Invitae Variant Classification Sherloc (09022015). Collection method: clinical testing. Allele origin: germline.
Comment: This sequence change replaces aspartic acid with glycine at codon 608 of the BRCA2 protein (p.Asp608Gly). The aspartic acid residue is weakly conserved and there is a moderate physicochemical difference between aspartic acid and glycine. This variant is not present in population databases (ExAC no frequency). This variant has not been reported in the literature in individuals with BRCA2-related conditions. Algorithms developed to predict the effect of missense changes on protein structure and function are either unavailable or do not agree on the potential impact of this missense change (SIFT: "Tolerated"; PolyPhen-2: "Possibly Damaging"; Align-GVGD: "Class C0"). In summary, the available evidence is currently insufficient to determine the role of this variant in disease. Therefore, it has been classified as a Variant of Uncertain Significance.

NM_000059.4(BRCA2):c.1823A>G (p.Asp608Gly)

Gene: BRCA2 (BRCA2 DNA repair associated; plus strand). Cytogenetic location: 13q13.1.
Variant type: single nucleotide variant.
Coding change: c.1823A>G on transcript NM_000059.4 (MANE Select); coding-DNA position 1823, A replaced by G.
Protein change: p.Asp608Gly; replaces aspartic acid 608 with glycine.
Molecular consequence: missense variant.
Genome position (GRCh38, 1-based): chr13:32,333,301, A>G. VCF-style: chr13-32333301-A-G. GRCh37 (hg19) VCF-style: chr13-32907438-A-G.
Other names: short protein forms D608G.
Identifiers: ClinVar variation 1062568 (VCV001062568.10), dbSNP rs2137475288, ClinGen allele CA387766099.